The following is an entry in ClinVar:

NM_001378454.1(ALMS1):c.2663C>A (p.Ser888Ter)

Gene: ALMS1 (ALMS1 centrosome and basal body associated protein; plus strand). Cytogenetic location: 2p13.1.
Variant type: single nucleotide variant.
Coding change: c.2663C>A on transcript NM_001378454.1 (MANE Select); coding-DNA position 2663, C replaced by A.
Protein change: p.Ser888Ter; replaces serine 888 with a stop codon.
Molecular consequence: nonsense.
Genome position (GRCh38, 1-based): chr2:73,449,190, C>A. VCF-style: chr2-73449190-C-A. GRCh37 (hg19) VCF-style: chr2-73676317-C-A.
Other names: c.2666C>A, p.Ser889Ter (NM_015120.4); short protein forms S888*, S889*.
Identifiers: ClinVar variation 3287752 (VCV003287752.1).

ClinVar aggregate classification (germline): Pathogenic (1 of 4 stars; one submission).

Conditions:
Cardiovascular phenotype. Identifiers: MedGen CN230736.

gnomAD v4.1: 1 of 1,614,116 alleles (0.000062%); highest among the groups gnomAD compares: East Asian, 0.0022%; no homozygotes.

Submission:

Ambry Genetics
Classification: Pathogenic for Cardiovascular phenotype. Last evaluated: 2024-04-27. Review status: criteria provided, single submitter. Criteria: Ambry Variant Classification Scheme 2023. Collection method: clinical testing. Allele origin: germline.
Comment: The p.S889* pathogenic mutation (also known as c.2666C>A), located in coding exon 8 of the ALMS1 gene, results from a C to A substitution at nucleotide position 2666. This changes the amino acid from a serine to a stop codon within coding exon 8. A different nucleotide substitution resulting in the same protein impact (p.S889*, c.2666C>G) has been identified in conjunction with another ALMS1 variant in an individual with features consistent with Alstrom syndrome (Sanchez-Navarro I et al. Sci Rep, 2018 Mar;8:5285; Perea-Romero I et al. Hum Genet, 2021 Dec;140:1665-1678). This alteration is expected to result in loss of function by premature protein truncation or nonsense-mediated mRNA decay. As such, this alteration is interpreted as a disease-causing mutation.

Literature cited by the submitters: PubMed 29588463; PubMed 34448047.